The following is an entry in ClinVar:

NM_001385079.1(PDE10A):c.1801T>G (p.Ser601Ala)

Gene: PDE10A (phosphodiesterase 10A; minus strand). Cytogenetic location: 6q27.
Variant type: single nucleotide variant.
Coding change: c.1801T>G on transcript NM_001385079.1 (MANE Select); coding-DNA position 1801, T replaced by G.
Protein change: p.Ser601Ala; replaces serine 601 with alanine.
Molecular consequence: missense variant.
Genome position (GRCh38, 1-based): chr6:165,416,277, A>C on the plus strand (T>G on the coding strand, the complement: PDE10A is on the minus strand). VCF-style: chr6-165416277-A-C. GRCh37 (hg19) VCF-style: chr6-165829765-A-C.
Other names: c.1003T>G, p.Ser335Ala (NM_001130690.3); c.973T>G, p.Ser325Ala (NM_006661.4); short protein forms S335A, S601A, S325A.
Identifiers: ClinVar variation 1498305 (VCV001498305.6), dbSNP rs376505022, ClinGen allele CA151321528.
Genomic context (GRCh38, chr6:165,416,277, plus strand): 5'-CTGGAATGTTCAGGACTTCCCCTGTTCTTGCTACTTGGCCAGCAATTCCTTTCTCAATTG[A>C]AAATCTGCATATGTAAAAGAGAAGGACATGCTAATTAAAATATGGACTCTGTAGAATAAT-3'
Protein context (NP_001372008.1, residues 591-611): VFKKTKEIRF[Ser601Ala]IEKGIAGQVA

ClinVar aggregate classification (germline): Uncertain significance (1 of 4 stars; one submission).

Allele frequency attached by ClinVar (database versions not stated): gnomAD exomes below 0.00001 and 0.00001.
gnomAD v4.1: 9 of 1,603,080 alleles (0.00056%); highest among the groups gnomAD compares: Non-Finnish European, 0.00077%; no homozygotes.

Submission:

Labcorp Genetics (formerly Invitae), Labcorp
Classification: Uncertain significance. Last evaluated: 2021-09-25. Review status: criteria provided, single submitter. Criteria: Invitae Variant Classification Sherloc (09022015). Collection method: clinical testing. Allele origin: germline.
Comment: This variant has not been reported in the literature in individuals with PDE10A-related conditions. This variant is not present in population databases (ExAC no frequency). This sequence change replaces serine with alanine at codon 335 of the PDE10A protein (p.Ser335Ala). The serine residue is highly conserved and there is a moderate physicochemical difference between serine and alanine. Algorithms developed to predict the effect of missense changes on protein structure and function are either unavailable or do not agree on the potential impact of this missense change (SIFT: "Tolerated"; PolyPhen-2: "Probably Damaging"; Align-GVGD: "Class C15"). In summary, the available evidence is currently insufficient to determine the role of this variant in disease. Therefore, it has been classified as a Variant of Uncertain Significance.